The following is an entry in ClinVar:

NM_005359.6(SMAD4):c.479A>T (p.Asp160Val)

Gene: SMAD4 (SMAD family member 4; plus strand). Cytogenetic location: 18q21.2.
Variant type: single nucleotide variant.
Coding change: c.479A>T on transcript NM_005359.6 (MANE Select); coding-DNA position 479, A replaced by T.
Protein change: p.Asp160Val; replaces aspartic acid 160 with valine.
Molecular consequence: missense variant. On other transcripts: non-coding transcript variant (2).
Genome position (GRCh38, 1-based): chr18:51,054,805, A>T. VCF-style: chr18-51054805-A-T. GRCh37 (hg19) VCF-style: chr18-48581175-A-T.
Other names: c.479A>T, p.Asp160Val (NM_001407041.1, NM_001407042.1, NM_001407043.1); short protein forms D160V.
Identifiers: ClinVar variation 3069725 (VCV003069725.1), dbSNP rs1555685629, ClinGen allele CA402460632.

ClinVar aggregate classification (germline): Uncertain significance (1 of 4 stars; one submission).

Conditions:
Juvenile polyposis/hereditary hemorrhagic telangiectasia syndrome (JPHT). Also called: Juvenile Polyposis Syndrome / Hereditary Hemorrhagic Telangiectasia (JPS/HHT); JP/HHT SYNDROME; JUVENILE POLYPOSIS WITH HEREDITARY HEMORRHAGIC TELANGIECTASIA; POLYPOSIS, GENERALIZED JUVENILE, WITH PULMONARY ARTERIOVENOUS MALFORMATION; TELANGIECTASIA, HEREDITARY HEMORRHAGIC, WITH JUVENILE POLYPOSIS COLI. Identifiers: Orphanet 2929, MedGen C1832942, MONDO:0008278, OMIM 175050.

Submission:

All of Us Research Program, National Institutes of Health
Classification: Uncertain significance for Juvenile polyposis/hereditary hemorrhagic telangiectasia syndrome. Last evaluated: 2023-02-24. Review status: criteria provided, single submitter. Criteria: ACMG Guidelines, 2015. Collection method: clinical testing. Allele origin: germline. Inheritance: Autosomal dominant inheritance. Observed: 1 variant allele, 1 heterozygote.
Comment: This missense variant replaces aspartic acid with valine at codon 160 of the SMAD4 protein. Computational prediction suggests that this variant may have deleterious impact on protein structure and function (internally defined REVEL score threshold >= 0.7, PMID: 27666373). To our knowledge, functional studies have not been reported for this variant. This variant has not been reported in individuals affected with SMAD4-related disorders in the literature. This variant has not been identified in the general population by the Genome Aggregation Database (gnomAD). The available evidence is insufficient to determine the role of this variant in disease conclusively. Therefore, this variant is classified as a Variant of Uncertain Significance.

This study involves interpretation of variants in research participants for the purpose of population health screening. Participant phenotype was not available at the time of variant classification. Additional details can be found in publication PMID: 35346344, PMCID: PMC8962531